The following is an entry in ClinVar:

ClinVar aggregate classification (germline): Uncertain significance. Review status: criteria provided, multiple submitters, no conflicts (2 of 4 stars). 2 submissions from 2 submitters: Uncertain significance (2). Last evaluated 2026-07-01.

Conditions:
SIM1-related disorder. Also called: SIM1-related disorders; SIM1-related condition.

gnomAD v4.1: 1 of 1,613,962 alleles (0.000062%); highest among the groups gnomAD compares: Admixed American, 0.0017%; no homozygotes.

Submissions (2):

GeneDx
Classification: Uncertain significance. Last evaluated: 2026-07-01. Review status: criteria provided, single submitter. Criteria: GeneDx Variant Classification Process June 2021. Collection method: clinical testing. Allele origin: germline.
Comment: Not observed at significant frequency in large population cohorts (gnomAD); In silico analysis suggests that this missense variant does not alter protein structure/function; Has not been previously published as pathogenic or benign to our knowledge

PreventionGenetics, part of Exact Sciences
Classification: Uncertain significance for SIM1-related condition. Last evaluated: 2026-05-14. Review status: criteria provided, single submitter. Criteria: ACMG Guidelines, 2015. Collection method: clinical testing. Allele origin: germline.
Comment: The SIM1 c.1616C>T variant is predicted to result in the amino acid substitution p.Pro539Leu. To our knowledge, this variant has not been reported in the literature. This variant is reported in 0.0029% of alleles in individuals of Latino descent in gnomAD. At this time, the clinical significance of this variant is uncertain due to the absence of conclusive functional and genetic evidence.

NM_005068.3(SIM1):c.1616C>T (p.Pro539Leu)

Gene: SIM1 (SIM bHLH transcription factor 1; minus strand). Cytogenetic location: 6q16.3.
Variant type: single nucleotide variant.
Coding change: c.1616C>T on transcript NM_005068.3 (MANE Select); coding-DNA position 1616, C replaced by T.
Protein change: p.Pro539Leu; replaces proline 539 with leucine.
Molecular consequence: missense variant.
Genome position (GRCh38, 1-based): chr6:100,391,046, G>A on the plus strand (C>T on the coding strand, the complement: SIM1 is on the minus strand). VCF-style: chr6-100391046-G-A. GRCh37 (hg19) VCF-style: chr6-100838922-G-A.
Other names: c.1616C>T, p.Pro539Leu (NM_001374769.1); short protein forms P539L.
Identifiers: ClinVar variation 4282363 (VCV004282363.3).